The following is an entry in ClinVar:

NM_005720.4(ARPC1B):c.323del (p.Glu108fs)

Gene: ARPC1B (actin related protein 2/3 complex subunit 1B; plus strand). Cytogenetic location: 7q22.1.
Variant type: Deletion.
Coding change: c.323del on transcript NM_005720.4 (MANE Select); coding-DNA position 323, one base deleted (A; older notation c.323delA).
Protein change: p.Glu108fs; shifts the reading frame from glutamic acid 108.
Molecular consequence: frameshift variant.
Genome position (GRCh38, 1-based): chr7:99,388,192, A deleted. VCF-style (leftmost placement, unchanged base first): chr7-99388191-GA-G. GRCh37 (hg19) VCF-style: chr7-98985814-GA-G.
Other names: short protein forms E108fs.
Identifiers: ClinVar variation 2872395 (VCV002872395.3), dbSNP rs769800244, ClinGen allele CA4363977.
Genomic context (GRCh38, chr7:99,388,191, plus strand): 5'-CCCACGCTGGTCATCCTGCGGATCAACCGGGCTGCCCGCTGCGTGCGCTGGGCCCCCAAC[GA>G]GAACAAGTTTGCTGTGGGCAGCGGCTCTCGTGTGATCTCCATCTGTTATTTCGAGCAGGA-3'

ClinVar aggregate classification (germline): Pathogenic (1 of 4 stars; one submission).

Allele frequency attached by ClinVar (database versions not stated): ExAC 0.00001; gnomAD exomes below 0.00001.

Submission:

Labcorp Genetics (formerly Invitae), Labcorp
Classification: Pathogenic. Last evaluated: 2024-04-09. Review status: criteria provided, single submitter. Criteria: Invitae Variant Classification Sherloc (09022015). Collection method: clinical testing. Allele origin: germline.
Comment: This sequence change creates a premature translational stop signal (p.Glu108Glyfs*12) in the ARPC1B gene. It is expected to result in an absent or disrupted protein product. Loss-of-function variants in ARPC1B are known to be pathogenic (PMID: 27965109, 28368018, 29127144). This variant is present in population databases (rs769800244, gnomAD 0.003%). This variant has not been reported in the literature in individuals affected with ARPC1B-related conditions. For these reasons, this variant has been classified as Pathogenic.

Literature cited by the submitters: PubMed 27965109; PubMed 28368018; PubMed 29127144.